The following is an entry in ClinVar:

ClinVar aggregate classification (germline): Likely benign (1 of 4 stars; one submission).

gnomAD v4.1: 253 of 1,614,218 alleles (0.016%); highest among the groups gnomAD compares: African/African-American, 0.29%; 3 homozygotes.

Submission:

CeGaT Center for Human Genetics Tuebingen
Classification: Likely benign. Last evaluated: 2026-05-01. Review status: criteria provided, single submitter. Criteria: CeGaT Center For Human Genetics Tuebingen Variant Classification Criteria Version 2. Collection method: clinical testing. Allele origin: germline. Affected: yes. Observed: 1 variant allele.
Comment: SMG8: BP4, BP7

NM_018149.7(SMG8):c.1129A>C (p.Arg377=)

Gene: SMG8 (SMG8 nonsense mediated mRNA decay factor; plus strand). Cytogenetic location: 17q22.
Variant type: single nucleotide variant.
Coding change: c.1129A>C on transcript NM_018149.7 (MANE Select); coding-DNA position 1129, A replaced by C.
Protein change: p.Arg377=; no amino-acid change (arginine 377 retained).
Molecular consequence: synonymous variant.
Genome position (GRCh38, 1-based): chr17:59,211,180, A>C. VCF-style: chr17-59211180-A-C. GRCh37 (hg19) VCF-style: chr17-57288541-A-C.
Identifiers: ClinVar variation 4872885 (VCV004872885.2).
Genomic context (GRCh38, chr17:59,211,180, plus strand): 5'-AGTCATTGTACTGTGAAGGACCCGGAATCTTTGCTGGTGCCTGCACCCCTTTCTGGGCCT[A>C]GGCGATACCAGGTGATGAGGCAGCACAGCCGACAACAACTTTCCTTTCACATTGACAGCA-3'
Protein context (NP_060619.4, residues 367-387): LLVPAPLSGP[Arg377=]RYQVMRQHSR